The following is an entry in ClinVar:

ClinVar aggregate classification (germline): Uncertain significance (1 of 4 stars; one submission).

Submission:

Labcorp Genetics (formerly Invitae), Labcorp
Classification: Uncertain significance. Last evaluated: 2024-12-24. Review status: criteria provided, single submitter. Criteria: Invitae Variant Classification Sherloc (09022015). Collection method: clinical testing. Allele origin: germline.
Comment: This variant, c.2772_2777del, results in the deletion of 2 amino acid(s) of the KMT2A protein (p.Ser925_Ser926del), but otherwise preserves the integrity of the reading frame. This variant is not present in population databases (gnomAD no frequency). This variant has not been reported in the literature in individuals affected with KMT2A-related conditions. Experimental studies and prediction algorithms are not available or were not evaluated, and the functional significance of this variant is currently unknown. In summary, the available evidence is currently insufficient to determine the role of this variant in disease. Therefore, it has been classified as a Variant of Uncertain Significance.

NM_001197104.2(KMT2A):c.2772_2777del (p.Ser925_Ser926del)

Gene: KMT2A (lysine methyltransferase 2A; plus strand). Cytogenetic location: 11q23.3.
Variant type: Deletion.
Coding change: c.2772_2777del on transcript NM_001197104.2 (MANE Select); coding-DNA positions 2772 to 2777, 6 bases deleted (ATCTTC; older notation c.2772_2777delATCTTC).
Protein change: p.Ser925_Ser926del.
Genome position (GRCh38, 1-based): chr11:118,473,931-118,473,936, ATCTTC deleted; deleting any 6 consecutive bases within chr11:118,473,927-118,473,936 gives the same sequence; the c. name uses the placement nearest the transcript's 3' end. VCF-style (leftmost placement, unchanged base first): chr11-118473926-ACTTCAT-A. GRCh37 (hg19) VCF-style: chr11-118344641-ACTTCAT-A.
Other names: c.2871_2876del, p.Ser958_Ser959del (NM_001412597.1); c.2772_2777del, p.Ser925_Ser926del (NM_005933.4).
Identifiers: ClinVar variation 3697543 (VCV003697543.2).